The following is an entry in ClinVar:

ClinVar aggregate classification (germline): Uncertain significance (1 of 4 stars; one submission).

Conditions:
Hereditary breast ovarian cancer syndrome. Also called: Hereditary breast and ovarian cancer syndrome (HBOC); Hereditary breast and ovarian cancer syndrome; Breast and ovarian cancer; Hereditary breast and ovarian cancer; Hereditary breast and/or ovarian cancer syndrome; BRCA1- and BRCA2-Associated Hereditary Breast and Ovarian Cancer. Identifiers: Orphanet 145, MedGen C0677776, MeSH D061325, MONDO:0003582. Disease mechanism: loss of function.

Submission:

Labcorp Genetics (formerly Invitae), Labcorp
Classification: Uncertain significance for Hereditary breast ovarian cancer syndrome. Last evaluated: 2018-11-29. Review status: criteria provided, single submitter. Criteria: Invitae Variant Classification Sherloc (09022015). Collection method: clinical testing. Allele origin: germline.
Comment: In summary, the available evidence is currently insufficient to determine the role of this variant in disease. Therefore, it has been classified as a Variant of Uncertain Significance. Algorithms developed to predict the effect of missense changes on protein structure and function output the following: SIFT: "Tolerated"; PolyPhen-2: "Benign"; Align-GVGD: "Class C0". The serine amino acid residue is found in multiple mammalian species, suggesting that this missense change does not adversely affect protein function. These predictions have not been confirmed by published functional studies and their clinical significance is uncertain. This variant has not been reported in the literature in individuals with BRCA2-related conditions. This variant is not present in population databases (ExAC no frequency). This sequence change replaces arginine with serine at codon 2424 of the BRCA2 protein (p.Arg2424Ser). The arginine residue is weakly conserved and there is a moderate physicochemical difference between arginine and serine.

NM_000059.4(BRCA2):c.7272G>C (p.Arg2424Ser)

Gene: BRCA2 (BRCA2 DNA repair associated; plus strand). Cytogenetic location: 13q13.1.
Variant type: single nucleotide variant.
Coding change: c.7272G>C on transcript NM_000059.4 (MANE Select); coding-DNA position 7272, G replaced by C.
Protein change: p.Arg2424Ser; replaces arginine 2424 with serine.
Molecular consequence: missense variant.
Genome position (GRCh38, 1-based): chr13:32,355,125, G>C. VCF-style: chr13-32355125-G-C. GRCh37 (hg19) VCF-style: chr13-32929262-G-C.
Other names: short protein forms R2424S.
Identifiers: ClinVar variation 663283 (VCV000663283.9), dbSNP rs1593918244, ClinGen allele CA387740613.